The following is an entry in ClinVar:

NM_024656.4(COLGALT1):c.464G>A (p.Arg155Gln)

Gene: COLGALT1 (collagen beta(1-O)galactosyltransferase 1; plus strand). Cytogenetic location: 19p13.11.
Variant type: single nucleotide variant.
Coding change: c.464G>A on transcript NM_024656.4 (MANE Select); coding-DNA position 464, G replaced by A.
Protein change: p.Arg155Gln; replaces arginine 155 with glutamine.
Molecular consequence: missense variant.
Genome position (GRCh38, 1-based): chr19:17,560,440, G>A. VCF-style: chr19-17560440-G-A. GRCh37 (hg19) VCF-style: chr19-17671249-G-A.
Other names: short protein forms R155Q.
Identifiers: ClinVar variation 4981963 (VCV004981963.1).
Genomic context (GRCh38, chr19:17,560,440, plus strand): 5'-GGTCTGACTCACGCTACGAGCATGTCATGAAGTTGCGCCAGGCAGCCCTGAAATCAGCTC[G>A]AGACATGTGGGCTGATTACATCCTGGTAAGTTTCTCAGCCGGCCGGATATGGATCACAGG-3'
Protein context (NP_078932.2, residues 145-165): KLRQAALKSA[Arg155Gln]DMWADYILFV

ClinVar aggregate classification (germline): Uncertain significance (1 of 4 stars; one submission).

Conditions:
COLGALT1-related disorder. Also called: COLGALT1-related condition.

gnomAD v4.1: 23 of 1,614,092 alleles (0.0014%); highest among the groups gnomAD compares: Middle Eastern, 0.016%; no homozygotes.

Submission:

PreventionGenetics, part of Exact Sciences
Classification: Uncertain significance for COLGALT1-related condition. Last evaluated: 2025-08-04. Review status: criteria provided, single submitter. Criteria: ACMG Guidelines, 2015. Collection method: clinical testing. Allele origin: germline.
Comment: The COLGALT1 c.464G>A variant is predicted to result in the amino acid substitution p.Arg155Gln. To our knowledge, this variant has not been reported in the literature. Of note, another missense variant affecting the same amid acid (p.Arg155Gly) may be associated with hydrocephalus (Jin et al. 2020. PubMed ID: 33077954). This variant is reported in 0.0033% of alleles in individuals of South Asian descent in gnomAD. At this time, the clinical significance of this variant is uncertain due to the absence of conclusive functional and genetic evidence.